The following is an entry in ClinVar:

NM_001098794.2(FHIP1B):c.1605C>T (p.Gly535=)

Gene: FHIP1B (FHF complex subunit HOOK interacting protein 1B; minus strand). Cytogenetic location: 11p15.4.
Variant type: single nucleotide variant.
Coding change: c.1605C>T on transcript NM_001098794.2 (MANE Select); coding-DNA position 1605, C replaced by T.
Protein change: p.Gly535=; no amino-acid change (glycine 535 retained).
Molecular consequence: synonymous variant.
Genome position (GRCh38, 1-based): chr11:6,217,981, G>A on the plus strand (C>T on the coding strand, the complement: FHIP1B is on the minus strand). VCF-style: chr11-6217981-G-A. GRCh37 (hg19) VCF-style: chr11-6239211-G-A.
Other names: c.1647C>T, p.Gly549= (NM_032127.4).
Identifiers: ClinVar variation 3234624 (VCV003234624.20), dbSNP rs2494225216, ClinGen allele CA472735780.

ClinVar aggregate classification (germline): Likely benign (1 of 4 stars; one submission).

Submission:

CeGaT Center for Human Genetics Tuebingen
Classification: Likely benign. Last evaluated: 2024-03-01. Review status: criteria provided, single submitter. Criteria: CeGaT Center For Human Genetics Tuebingen Variant Classification Criteria Version 2. Collection method: clinical testing. Allele origin: germline. Affected: yes. Observed: 1 variant allele.
Comment: FHIP1B: PM2:Supporting, BP4, BP7